The following is an entry in ClinVar:

NM_006876.3(B4GAT1):c.1009A>T (p.Thr337Ser)

Gene: B4GAT1 (beta-1,4-glucuronyltransferase 1; minus strand). Cytogenetic location: 11q13.2.
Variant type: single nucleotide variant.
Coding change: c.1009A>T on transcript NM_006876.3 (MANE Select); coding-DNA position 1009, A replaced by T.
Protein change: p.Thr337Ser; replaces threonine 337 with serine.
Molecular consequence: missense variant.
Genome position (GRCh38, 1-based): chr11:66,346,537, T>A on the plus strand (A>T on the coding strand, the complement: B4GAT1 is on the minus strand). VCF-style: chr11-66346537-T-A. GRCh37 (hg19) VCF-style: chr11-66114008-T-A.
Other names: short protein forms T337S.
Identifiers: ClinVar variation 474247 (VCV000474247.8), dbSNP rs1555016408, ClinGen allele CA381417167.

ClinVar aggregate classification (germline): Uncertain significance (1 of 4 stars; one submission).

Conditions:
Muscular dystrophy-dystroglycanopathy (congenital with brain and eye anomalies), type A13. Also called: WALKER-WARBURG SYNDROME OR MUSCLE-EYE-BRAIN DISEASE, B3GNT1-RELATED; Muscular dystrophy-dystroglycanopathy (congenital with brain and eye anomalies), type a, 13. Identifiers: Orphanet 899, MedGen C3809042, MONDO:0014120, OMIM 615287.

Allele frequency attached by ClinVar (database versions not stated): gnomAD 0.00001; gnomAD exomes below 0.00001; TOPMed below 0.00001.

Submission:

Labcorp Genetics (formerly Invitae), Labcorp
Classification: Uncertain significance for Muscular dystrophy-dystroglycanopathy (congenital with brain and eye anomalies), type A13. Last evaluated: 2024-10-18. Review status: criteria provided, single submitter. Criteria: Invitae Variant Classification Sherloc (09022015). Collection method: clinical testing. Allele origin: germline.
Comment: This sequence change replaces threonine, which is neutral and polar, with serine, which is neutral and polar, at codon 337 of the B4GAT1 protein (p.Thr337Ser). This variant is not present in population databases (gnomAD no frequency). This variant has not been reported in the literature in individuals affected with B4GAT1-related conditions. ClinVar contains an entry for this variant (Variation ID: 474247). Invitae Evidence Modeling of protein sequence and biophysical properties (such as structural, functional, and spatial information, amino acid conservation, physicochemical variation, residue mobility, and thermodynamic stability) indicates that this missense variant is not expected to disrupt B4GAT1 protein function with a negative predictive value of 80%. In summary, the available evidence is currently insufficient to determine the role of this variant in disease. Therefore, it has been classified as a Variant of Uncertain Significance.